The following is an entry in ClinVar:

ClinVar aggregate classification (germline): Likely benign (0 of 4 stars; one submission).

Conditions:
AFF4-related disorder. Also called: AFF4-related condition.

gnomAD v4.1: 6 of 1,610,852 alleles (0.00037%); highest among the groups gnomAD compares: Admixed American, 0.0033%; no homozygotes.

Submission:

PreventionGenetics, part of Exact Sciences
Classification: Likely benign for AFF4-related condition. Last evaluated: 2024-03-21. Review status: no assertion criteria provided. Collection method: clinical testing. Allele origin: germline.
Comment: This variant is classified as likely benign based on ACMG/AMP sequence variant interpretation guidelines (Richards et al. 2015 PMID: 25741868, with internal and published modifications).

NM_014423.4(AFF4):c.2772G>A (p.Lys924=)

Gene: AFF4 (ALF transcription elongation factor 4; minus strand). Cytogenetic location: 5q31.1.
Variant type: single nucleotide variant.
Coding change: c.2772G>A on transcript NM_014423.4 (MANE Select); coding-DNA position 2772, G replaced by A.
Protein change: p.Lys924=; no amino-acid change (lysine 924 retained).
Molecular consequence: synonymous variant.
Genome position (GRCh38, 1-based): chr5:132,888,121, C>T on the plus strand (G>A on the coding strand, the complement: AFF4 is on the minus strand). VCF-style: chr5-132888121-C-T. GRCh37 (hg19) VCF-style: chr5-132223813-C-T.
Identifiers: ClinVar variation 3351350 (VCV003351350.1).